The following is an entry in ClinVar:

NM_006912.6(RIT1):c.546A>G (p.Ile182Met)

Gene: RIT1 (Ras like without CAAX 1; minus strand). Cytogenetic location: 1q22.
Variant type: single nucleotide variant.
Coding change: c.546A>G on transcript NM_006912.6 (MANE Select); coding-DNA position 546, A replaced by G.
Protein change: p.Ile182Met; replaces isoleucine 182 with methionine.
Molecular consequence: missense variant.
Genome position (GRCh38, 1-based): chr1:155,900,502, T>C on the plus strand (A>G on the coding strand, the complement: RIT1 is on the minus strand). VCF-style: chr1-155900502-T-C. GRCh37 (hg19) VCF-style: chr1-155870293-T-C.
Other names: c.438A>G, p.Ile146Met (NM_001256820.2); c.597A>G, p.Ile199Met (NM_001256821.2); short protein forms I146M, I182M, I199M.
Identifiers: ClinVar variation 1003981 (VCV001003981.12), dbSNP rs1673291260, ClinGen allele CA342801186.

ClinVar aggregate classification (germline): Uncertain significance. Review status: criteria provided, multiple submitters, no conflicts (2 of 4 stars). 3 submissions from 3 submitters: Uncertain significance (3). Last evaluated 2025-07-06.

Conditions:
Noonan syndrome 8 (NS8). Identifiers: Orphanet 648, MedGen C3809233, MONDO:0014143, OMIM 615355.

Allele frequency attached by ClinVar (database versions not stated): gnomAD exomes below 0.00001.
gnomAD v4.1: 2 of 1,614,162 alleles (0.00012%); highest among the groups gnomAD compares: South Asian, 0.0022%; no homozygotes.

Submissions (3):

GeneDx
Classification: Uncertain significance. Last evaluated: 2025-07-06. Review status: criteria provided, single submitter. Criteria: GeneDx Variant Classification Process June 2021. Collection method: clinical testing. Allele origin: germline. Affected: yes.
Comment: Not observed at significant frequency in large population cohorts (gnomAD); In silico analysis supports that this missense variant has a deleterious effect on protein structure/function; Has not been previously published as pathogenic or benign to our knowledge

Genome-Nilou Lab
Classification: Uncertain significance for Noonan syndrome 8. Last evaluated: 2023-04-11. Review status: criteria provided, single submitter. Criteria: ACMG Guidelines, 2015. Collection method: clinical testing. Allele origin: germline. Affected: no.

Labcorp Genetics (formerly Invitae), Labcorp
Classification: Uncertain significance for Noonan syndrome 8. Last evaluated: 2017-12-05. Review status: criteria provided, single submitter. Criteria: Invitae Variant Classification Sherloc (09022015). Collection method: clinical testing. Allele origin: germline.
Comment: This sequence change replaces isoleucine with methionine at codon 182 of the RIT1 protein (p.Ile182Met). The isoleucine residue is highly conserved and there is a small physicochemical difference between isoleucine and methionine. This variant is not present in population databases (ExAC no frequency). This variant has not been reported in the literature in individuals with RIT1-related disease. Algorithms developed to predict the effect of missense changes on protein structure and function do not agree on the potential impact of this missense change (SIFT: "Deleterious"; PolyPhen-2: "Probably Damaging"; Align-GVGD: "Class C0"). In summary, the available evidence is currently insufficient to determine the role of this variant in disease. Therefore, it has been classified as a Variant of Uncertain Significance.